The following is an entry in ClinVar:

ClinVar aggregate classification (germline): Uncertain significance (1 of 4 stars; one submission).

Conditions:
Inborn genetic diseases. Identifiers: MedGen C0950123, MeSH D030342.

Submission:

Ambry Genetics
Classification: Uncertain significance for Inborn genetic diseases. Last evaluated: 2025-12-28. Review status: criteria provided, single submitter. Criteria: Ambry Variant Classification Scheme 2023. Collection method: clinical testing. Allele origin: germline.
Comment: The p.W10G variant (also known as c.28T>G), located in coding exon 1 of the GATA2 gene, results from a T to G substitution at nucleotide position 28. The tryptophan at codon 10 is replaced by glycine, an amino acid with highly dissimilar properties. This amino acid position is conserved. In addition, this alteration is predicted to be deleterious by in silico analysis. Based on the available evidence, the clinical significance of this variant remains unclear.

NM_032638.5(GATA2):c.28T>G (p.Trp10Gly)

Gene: GATA2 (GATA binding protein 2; minus strand). Cytogenetic location: 3q21.3.
Variant type: single nucleotide variant.
Coding change: c.28T>G on transcript NM_032638.5 (MANE Select); coding-DNA position 28, T replaced by G.
Protein change: p.Trp10Gly; replaces tryptophan 10 with glycine.
Molecular consequence: missense variant.
Genome position (GRCh38, 1-based): chr3:128,487,004, A>C on the plus strand (T>G on the coding strand, the complement: GATA2 is on the minus strand). VCF-style: chr3-128487004-A-C. GRCh37 (hg19) VCF-style: chr3-128205847-A-C.
Other names: c.28T>G, p.Trp10Gly (NM_001145661.2, NM_001145662.1); short protein forms W10G.
Identifiers: ClinVar variation 4842564 (VCV004842564.1).